The following is an entry in ClinVar:

ClinVar aggregate classification (germline): Uncertain significance. Review status: criteria provided, multiple submitters, no conflicts (2 of 4 stars). 2 submissions from 2 submitters: Uncertain significance (2). Last evaluated 2025-07-03.

Conditions:
Primary ciliary dyskinesia. Also called: Ciliary dyskinesia. Identifiers: Orphanet 244, MedGen C0008780, MONDO:0016575, HP:0012265.

Allele frequency attached by ClinVar (database versions not stated): TOPMed below 0.00001; gnomAD 0.00003; gnomAD exomes 0.00006 and 0.00008; ExAC 0.00010.
gnomAD v4.1: 84 of 1,586,020 alleles (0.0053%); highest among the groups gnomAD compares: South Asian, 0.087%; no homozygotes.

Submissions (2):

Ambry Genetics
Classification: Uncertain significance. Last evaluated: 2025-07-03. Review status: criteria provided, single submitter. Criteria: Ambry Variant Classification Scheme 2023. Collection method: clinical testing. Allele origin: germline.

Labcorp Genetics (formerly Invitae), Labcorp
Classification: Uncertain significance for Primary ciliary dyskinesia. Last evaluated: 2021-11-12. Review status: criteria provided, single submitter. Criteria: Invitae Variant Classification Sherloc (09022015). Collection method: clinical testing. Allele origin: germline.
Comment: This sequence change replaces isoleucine, which is neutral and non-polar, with threonine, which is neutral and polar, at codon 1100 of the DNAH8 protein (p.Ile1100Thr). This variant is present in population databases (rs764655921, gnomAD 0.05%). This variant has not been reported in the literature in individuals affected with DNAH8-related conditions. Algorithms developed to predict the effect of missense changes on protein structure and function are either unavailable or do not agree on the potential impact of this missense change (SIFT: "Deleterious"; PolyPhen-2: "Not Available"; Align-GVGD: "Class C0"). In summary, the available evidence is currently insufficient to determine the role of this variant in disease. Therefore, it has been classified as a Variant of Uncertain Significance.

NM_001206927.2(DNAH8):c.3299T>C (p.Ile1100Thr)

Gene: DNAH8 (dynein axonemal heavy chain 8; plus strand). Cytogenetic location: 6p21.2.
Variant type: single nucleotide variant.
Coding change: c.3299T>C on transcript NM_001206927.2 (MANE Select); coding-DNA position 3299, T replaced by C.
Protein change: p.Ile1100Thr; replaces isoleucine 1100 with threonine.
Molecular consequence: missense variant.
Genome position (GRCh38, 1-based): chr6:38,814,095, T>C. VCF-style: chr6-38814095-T-C. GRCh37 (hg19) VCF-style: chr6-38781871-T-C.
Other names: c.3299T>C (NM_001206927.1); c.2648T>C, p.Ile883Thr (NM_001371.4); short protein forms I1100T, I883T.
Identifiers: ClinVar variation 1448790 (VCV001448790.4), dbSNP rs764655921, ClinGen allele CA3788797.